The following is an entry in ClinVar:

ClinVar aggregate classification (germline): Uncertain significance (1 of 4 stars; one submission).

Allele frequency attached by ClinVar (database versions not stated): gnomAD exomes 0.00002.
gnomAD v4.1: 23 of 1,604,516 alleles (0.0014%); highest among the groups gnomAD compares: Non-Finnish European, 0.0019%; no homozygotes.

Submission:

Labcorp Genetics (formerly Invitae), Labcorp
Classification: Uncertain significance. Last evaluated: 2024-01-04. Review status: criteria provided, single submitter. Criteria: Invitae Variant Classification Sherloc (09022015). Collection method: clinical testing. Allele origin: germline.
Comment: This sequence change replaces alanine, which is neutral and non-polar, with serine, which is neutral and polar, at codon 407 of the RBFOX2 protein (p.Ala407Ser). This variant is not present in population databases (gnomAD no frequency). This variant has not been reported in the literature in individuals affected with RBFOX2-related conditions. An algorithm developed to predict the effect of missense changes on protein structure and function (PolyPhen-2) suggests that this variant is likely to be disruptive. In summary, the available evidence is currently insufficient to determine the role of this variant in disease. Therefore, it has been classified as a Variant of Uncertain Significance.

NM_001349999.2(RBFOX2):c.1207G>T (p.Ala403Ser)

Gene: RBFOX2 (RNA binding fox-1 homolog 2; minus strand). Cytogenetic location: 22q12.3.
Variant type: single nucleotide variant.
Coding change: c.1207G>T on transcript NM_001349999.2 (MANE Select); coding-DNA position 1207, G replaced by T.
Protein change: p.Ala403Ser; replaces alanine 403 with serine.
Molecular consequence: missense variant. On other transcripts: synonymous variant (12).
Genome position (GRCh38, 1-based): chr22:35,746,492, C>A on the plus strand (G>T on the coding strand, the complement: RBFOX2 is on the minus strand). VCF-style: chr22-35746492-C-A. GRCh37 (hg19) VCF-style: chr22-36142539-C-A.
Other names: c.1038G>T, p.Leu346= (NM_001349998.2); c.1201G>T, p.Ala401Ser (NM_001394108.1); c.1111G>T, p.Ala371Ser (NM_001394109.1, NM_001394110.1); c.1032G>T, p.Leu344= (NM_001349992.2); c.1020G>T, p.Leu340= (NM_001349994.2); c.939G>T, p.Leu313= (NM_001349995.2); c.1060G>T, p.Ala354Ser (NM_001349996.2, NM_001349990.2); c.1009G>T, p.Ala337Ser (NM_001349997.2); and 14 more; short protein forms A332S, A354S, A402S, A336S, A401S, A406S, A407S, A337S.
Identifiers: ClinVar variation 2954692 (VCV002954692.3), dbSNP rs1281377303, ClinGen allele CA411355608.